The following is an entry in ClinVar:

ClinVar aggregate classification (germline): Uncertain significance (1 of 4 stars; one submission).

Conditions:
Immunodeficiency 37 (IMD37). Identifiers: MedGen C4015195, MONDO:0014491, OMIM 616098.

Submission:

Labcorp Genetics (formerly Invitae), Labcorp
Classification: Uncertain significance for Immunodeficiency 37. Last evaluated: 2019-09-12. Review status: criteria provided, single submitter. Criteria: Invitae Variant Classification Sherloc (09022015). Collection method: clinical testing. Allele origin: germline.
Comment: In summary, the available evidence is currently insufficient to determine the role of this variant in disease. Therefore, it has been classified as a Variant of Uncertain Significance. Experimental studies and prediction algorithms are not available or were not evaluated for this variant, and the functional significance of this variant is currently unknown. This variant has not been reported in the literature in individuals with BCL10-related conditions. This variant is not present in population databases (ExAC no frequency). This variant, c.433_437delinsTTTTT, is a complex sequence change that results in the deletion of 2 and insertion of 2 amino acids in the BCL10 protein (p.Glu145_Lys146delinsPheLeu).

NM_003921.5(BCL10):c.433_437delinsTTTTT (p.Glu145_Lys146delinsPheLeu)

Gene: BCL10 (BCL10 immune signaling adaptor; minus strand). Cytogenetic location: 1p22.3.
Variant type: Indel.
Coding change: c.433_437delinsTTTTT on transcript NM_003921.5 (MANE Select); coding-DNA positions 433 to 437, GAAAA replaced by TTTTT.
Protein change: p.Glu145_Lys146delinsPheLeu.
Molecular consequence: missense variant.
Genome position (GRCh38, 1-based): chr1:85,267,892-85,267,896, TTTTC replaced by AAAAA on the plus strand (GAAAA replaced by TTTTT on the coding strand, the reverse complement: BCL10 is on the minus strand). VCF-style: chr1-85267892-TTTTC-AAAAA. GRCh37 (hg19) VCF-style: chr1-85733575-TTTTC-AAAAA.
Other names: c.400_404delinsTTTTT, p.Glu134_Lys135delinsPheLeu (NM_001320715.2).
Identifiers: ClinVar variation 935417 (VCV000935417.9), dbSNP rs1660247391, ClinGen allele CA1139656182.